The following is an entry in ClinVar:

NM_000350.3(ABCA4):c.470T>G (p.Leu157Trp)

Gene: ABCA4 (ATP binding cassette subfamily A member 4; minus strand). Cytogenetic location: 1p22.1.
Variant type: single nucleotide variant.
Coding change: c.470T>G on transcript NM_000350.3 (MANE Select); coding-DNA position 470, T replaced by G.
Protein change: p.Leu157Trp; replaces leucine 157 with tryptophan.
Molecular consequence: missense variant.
Genome position (GRCh38, 1-based): chr1:94,103,115, A>C on the plus strand (T>G on the coding strand, the complement: ABCA4 is on the minus strand). VCF-style: chr1-94103115-A-C. GRCh37 (hg19) VCF-style: chr1-94568671-A-C.
Other names: c.470T>G, p.Leu157Trp (NM_001425324.1); short protein forms L157W.
Identifiers: ClinVar variation 2803744 (VCV002803744.3), dbSNP rs953605928, ClinGen allele CA341291273.

ClinVar aggregate classification (germline): Likely pathogenic (1 of 4 stars; one submission).

Submission:

Labcorp Genetics (formerly Invitae), Labcorp
Classification: Likely pathogenic. Last evaluated: 2025-02-10. Review status: criteria provided, single submitter. Criteria: Invitae Variant Classification Sherloc (09022015). Collection method: clinical testing. Allele origin: germline.
Comment: This sequence change replaces leucine, which is neutral and non-polar, with tryptophan, which is neutral and slightly polar, at codon 157 of the ABCA4 protein (p.Leu157Trp). This variant is not present in population databases (gnomAD no frequency). This missense change has been observed in individual(s) with Stargardt disease (internal data). ClinVar contains an entry for this variant (Variation ID: 2803744). Invitae Evidence Modeling of protein sequence and biophysical properties (such as structural, functional, and spatial information, amino acid conservation, physicochemical variation, residue mobility, and thermodynamic stability) indicates that this missense variant is expected to disrupt ABCA4 protein function with a positive predictive value of 95%. In summary, the currently available evidence indicates that the variant is pathogenic, but additional data are needed to prove that conclusively. Therefore, this variant has been classified as Likely Pathogenic.